The following is an entry in ClinVar:

NM_021999.5(ITM2B):c.741T>C (p.Asn247=)

Gene: ITM2B (integral membrane protein 2B; plus strand). Cytogenetic location: 13q14.2.
Variant type: single nucleotide variant.
Coding change: c.741T>C on transcript NM_021999.5 (MANE Select); coding-DNA position 741, T replaced by C.
Protein change: p.Asn247=; no amino-acid change (asparagine 247 retained).
Molecular consequence: synonymous variant.
Genome position (GRCh38, 1-based): chr13:48,261,164, T>C. VCF-style: chr13-48261164-T-C. GRCh37 (hg19) VCF-style: chr13-48835300-T-C.
Identifiers: ClinVar variation 4986553 (VCV004986553.1).

ClinVar aggregate classification (germline): Likely benign (1 of 4 stars; one submission).

Conditions:
ITM2B-related disorder. Also called: ITM2B-related condition.

gnomAD v4.1: 5 of 1,612,326 alleles (0.00031%); highest among the groups gnomAD compares: African/African-American, 0.0027%; no homozygotes.

Submission:

PreventionGenetics, part of Exact Sciences
Classification: Likely benign for ITM2B-related condition. Last evaluated: 2024-12-20. Review status: criteria provided, single submitter. Criteria: ACMG Guidelines, 2015. Collection method: clinical testing. Allele origin: germline.
Comment: This variant is classified as likely benign based on ACMG/AMP sequence variant interpretation guidelines (Richards et al. 2015 PMID: 25741868, with internal and published modifications).